The following is an entry in ClinVar:

ClinVar aggregate classification (germline): Uncertain significance. Review status: criteria provided, multiple submitters, no conflicts (2 of 4 stars). 4 submissions from 4 submitters: Uncertain significance (3). 1 of the submissions does not count toward it. Last evaluated 2024-12-26.

Conditions:
MYLK-related disorder. Also called: MYLK-related condition.
Familial thoracic aortic aneurysm and aortic dissection (TAAD). Also called: Thoracic aortic aneurysms and dissections. Identifiers: Orphanet 91387, MedGen C4707243, MONDO:0019625.
Aortic aneurysm, familial thoracic 7 (AAT7). Also called: AORTIC DISSECTION, FAMILIAL, WITH OR WITHOUT AORTIC ANEURYSM. Identifiers: MedGen C3151077, MONDO:0013418, OMIM 613780.

gnomAD v4.1: 5 of 1,614,198 alleles (0.00031%); highest among the groups gnomAD compares: Non-Finnish European, 0.00042%; no homozygotes.

Submissions (4):

Labcorp Genetics (formerly Invitae), Labcorp
Classification: Uncertain significance for Aortic aneurysm, familial thoracic 7. Last evaluated: 2024-12-26. Review status: criteria provided, single submitter. Criteria: Invitae Variant Classification Sherloc (09022015). Collection method: clinical testing. Allele origin: germline.
Comment: This sequence change replaces valine, which is neutral and non-polar, with leucine, which is neutral and non-polar, at codon 532 of the MYLK protein (p.Val532Leu). This variant is present in population databases (rs750871704, gnomAD 0.0009%). This variant has not been reported in the literature in individuals affected with MYLK-related conditions. ClinVar contains an entry for this variant (Variation ID: 1326781). Invitae Evidence Modeling of protein sequence and biophysical properties (such as structural, functional, and spatial information, amino acid conservation, physicochemical variation, residue mobility, and thermodynamic stability) indicates that this missense variant is not expected to disrupt MYLK protein function with a negative predictive value of 80%. In summary, the available evidence is currently insufficient to determine the role of this variant in disease. Therefore, it has been classified as a Variant of Uncertain Significance.

GeneDx
Classification: Uncertain significance. Last evaluated: 2024-09-24. Review status: criteria provided, single submitter. Criteria: GeneDx Variant Classification Process June 2021. Collection method: clinical testing. Allele origin: germline. Affected: yes.
Comment: Has not been previously published as pathogenic or benign to our knowledge; Not observed at significant frequency in large population cohorts (gnomAD); In silico analysis indicates that this missense variant does not alter protein structure/function

Ambry Genetics
Classification: Uncertain significance for Familial thoracic aortic aneurysm and aortic dissection. Last evaluated: 2023-10-25. Review status: criteria provided, single submitter. Criteria: Ambry Variant Classification Scheme 2023. Collection method: clinical testing. Allele origin: germline.

PreventionGenetics, part of Exact Sciences
Classification: Uncertain significance for MYLK-related condition. Last evaluated: 2024-09-02. Review status: no assertion criteria provided. Collection method: clinical testing. Allele origin: germline. Not counted in ClinVar's aggregate classification.
Comment: The MYLK c.1594G>C variant is predicted to result in the amino acid substitution p.Val532Leu. To our knowledge, this variant has not been reported in the literature or in a large population database, indicating this variant is rare. At this time, the clinical significance of this variant is uncertain due to the absence of conclusive functional and genetic evidence.

NM_053025.4(MYLK):c.1594G>C (p.Val532Leu)

Gene: MYLK (myosin light chain kinase; minus strand). Cytogenetic location: 3q21.1.
Variant type: single nucleotide variant.
Coding change: c.1594G>C on transcript NM_053025.4 (MANE Select); coding-DNA position 1594, G replaced by C.
Protein change: p.Val532Leu; replaces valine 532 with leucine.
Molecular consequence: missense variant.
Genome position (GRCh38, 1-based): chr3:123,726,001, C>G on the plus strand (G>C on the coding strand, the complement: MYLK is on the minus strand). VCF-style: chr3-123726001-C-G. GRCh37 (hg19) VCF-style: chr3-123444848-C-G.
Other names: c.1066G>C, p.Val356Leu (NM_001321309.2); c.1387G>C, p.Val463Leu (NM_053026.4, NM_053028.4); c.1594G>C, p.Val532Leu (NM_053027.4); short protein forms V356L, V463L, V532L.
Identifiers: ClinVar variation 1326781 (VCV001326781.12), dbSNP rs750871704, ClinGen allele CA067240.